The following is an entry in ClinVar:

ClinVar aggregate classification (germline): Uncertain significance. Review status: criteria provided, multiple submitters, no conflicts (2 of 4 stars). 2 submissions from 2 submitters: Uncertain significance (2). Last evaluated 2024-12-18.

Conditions:
Emery-Dreifuss muscular dystrophy 5, autosomal dominant (EDMD5). Also called: EMERY-DREIFUSS MUSCULAR DYSTROPHY 5. Identifiers: Orphanet 261, MedGen C2751805, MONDO:0013072, OMIM 612999.

Submissions (2):

Labcorp Genetics (formerly Invitae), Labcorp
Classification: Uncertain significance for Emery-Dreifuss muscular dystrophy 5, autosomal dominant. Last evaluated: 2024-12-18. Review status: criteria provided, single submitter. Criteria: Invitae Variant Classification Sherloc (09022015). Collection method: clinical testing. Allele origin: germline.
Comment: This variant, c.19552_19554del, results in the deletion of 1 amino acid(s) of the SYNE2 protein (p.Leu6519del), but otherwise preserves the integrity of the reading frame. This variant is not present in population databases (gnomAD no frequency). This variant has not been reported in the literature in individuals affected with SYNE2-related conditions. Experimental studies and prediction algorithms are not available or were not evaluated, and the functional significance of this variant is currently unknown. In summary, the available evidence is currently insufficient to determine the role of this variant in disease. Therefore, it has been classified as a Variant of Uncertain Significance.

Eurofins Ntd Llc (ga)
Classification: Uncertain significance. Last evaluated: 2016-02-18. Review status: criteria provided, single submitter. Criteria: EGL Classification Definitions 2015. Collection method: clinical testing. Allele origin: germline. Observed: 1 variant allele.

NM_182914.3(SYNE2):c.19549CTA[1] (p.Leu6519del)

Gene: SYNE2 (spectrin repeat containing nuclear envelope protein 2; plus strand). Cytogenetic location: 14q23.2.
Variant type: Microsatellite.
Coding change: c.19549CTA[1] on transcript NM_182914.3 (MANE Select); one copy of the 3-base unit CTA starting at c.19549; the reference has two copies in a row; one copy, 3 bases deleted.
Protein change: p.Leu6519del; deletes leucine 6519.
Molecular consequence: inframe deletion.
Genome position (GRCh38, 1-based): chr14:64,218,407-64,218,409, CTA deleted; deleting any 3 consecutive bases within chr14:64,218,404-64,218,409 gives the same sequence; the position shown is the placement nearest the transcript's 3' end. VCF-style (leftmost placement, unchanged base first): chr14-64218403-GCTA-G. GRCh37 (hg19) VCF-style: chr14-64685121-GCTA-G.
Other names: c.19480CTA[1], p.Leu6496del (NM_015180.6); c.73CTA[1], p.Leu27del (NM_182910.2); c.451CTA[1], p.Leu153del (NM_182913.4); c.19552_19554delCTA (NM_182914.2); short protein forms L6519del, L153del, L6496del, L27del.
Identifiers: ClinVar variation 285939 (VCV000285939.13), dbSNP rs886043261, ClinGen allele CA10605304.
Genomic context (GRCh38, chr14:64,218,403, plus strand): 5'-TCTTCAGATATCCTTCATATCTACAGATGGTAACTTAAAAACTGGCTCATTCTAGGGAAA[GCTA>G]CTATTACCTCCAGGCACGGATGGTGGCAAAGAAGGCCCGCGAGTCCTGAATGGCAACCCA-3'